The following is an entry in ClinVar:

ClinVar aggregate classification (germline): Uncertain significance. Review status: criteria provided, multiple submitters, no conflicts (2 of 4 stars). 2 submissions from 2 submitters: Uncertain significance (2). Last evaluated 2026-07-10.

Conditions:
Familial hypercholesterolemia. Also called: Familial hypercholesterolemias; Familial hypercholesterolaemia. Identifiers: MedGen C0020445, MONDO:0005439.
Cardiovascular phenotype. Identifiers: MedGen CN230736.

Submissions (2):

Cambridge Genomics Laboratory, East Genomic Laboratory Hub, NHS Genomic Medicine Service
Classification: Uncertain significance for Familial hypercholesterolaemia. Last evaluated: 2026-07-10. Review status: criteria provided, single submitter. Criteria: ACGS Best Practice Guidelines for Variant Classification in Rare Disease 2020. Collection method: clinical testing. Allele origin: germline. Affected: yes.
Comment: PM2,PP4,BP4

Ambry Genetics
Classification: Uncertain significance for Cardiovascular phenotype. Last evaluated: 2025-03-25. Review status: criteria provided, single submitter. Criteria: Ambry Variant Classification Scheme 2023. Collection method: clinical testing. Allele origin: germline.
Comment: The p.V301L variant (also known as c.901G>T), located in coding exon 3 of the APOE gene, results from a G to T substitution at nucleotide position 901. The valine at codon 301 is replaced by leucine, an amino acid with highly similar properties. This amino acid position is conserved. In addition, this alteration is predicted to be tolerated by in silico analysis. Based on the available evidence, the clinical significance of this variant remains unclear.

NM_000041.4(APOE):c.901G>T (p.Val301Leu)

Gene: APOE (apolipoprotein E; plus strand). Cytogenetic location: 19q13.32.
Variant type: single nucleotide variant.
Coding change: c.901G>T on transcript NM_000041.4 (MANE Select); coding-DNA position 901, G replaced by T.
Protein change: p.Val301Leu; replaces valine 301 with leucine.
Molecular consequence: missense variant.
Genome position (GRCh38, 1-based): chr19:44,909,197, G>T. VCF-style: chr19-44909197-G-T. GRCh37 (hg19) VCF-style: chr19-45412454-G-T.
Other names: c.979G>T, p.Val327Leu (NM_001302688.2); c.901G>T, p.Val301Leu (NM_001302689.2, NM_001302690.2, NM_001302691.2); short protein forms V327L, V301L.
Identifiers: ClinVar variation 3934698 (VCV003934698.2).